The following is an entry in ClinVar:

NM_000414.4(HSD17B4):c.294C>G (p.Asn98Lys)

Gene: HSD17B4 (hydroxysteroid 17-beta dehydrogenase 4; plus strand). Cytogenetic location: 5q23.1.
Variant type: single nucleotide variant.
Coding change: c.294C>G on transcript NM_000414.4 (MANE Select); coding-DNA position 294, C replaced by G.
Protein change: p.Asn98Lys; replaces asparagine 98 with lysine.
Molecular consequence: missense variant. On other transcripts: 5 prime UTR variant (5), non-coding transcript variant (2).
Genome position (GRCh38, 1-based): chr5:119,475,719, C>G. VCF-style: chr5-119475719-C-G. GRCh37 (hg19) VCF-style: chr5-118811414-C-G.
Other names: c.14C>G, p.Thr5Arg (NM_001374499.1); c.-245C>G (NM_001374500.1); c.-118C>G (NM_001374501.1, NM_001374502.1, NM_001374503.1 and 1 more transcripts); c.294C>G, p.Asn98Lys (NM_001374498.1, NM_001374497.1); c.369C>G, p.Asn123Lys (NM_001199291.3); c.240C>G, p.Asn80Lys (NM_001199292.2); c.222C>G, p.Asn74Lys (NM_001292027.2); short protein forms N123K, N74K, N80K, N98K, T5R.
Identifiers: ClinVar variation 2944570 (VCV002944570.3), dbSNP rs1393411490, ClinGen allele CA360864890.

ClinVar aggregate classification (germline): Likely pathogenic (1 of 4 stars; one submission).

Conditions:
Bifunctional peroxisomal enzyme deficiency (DBIF). Also called: DBP DEFICIENCY; PBFE DEFICIENCY; D-bifunctional protein deficiency. Identifiers: Orphanet 300, MedGen C0342870, MONDO:0009855, OMIM 261515. Disease mechanism: loss of function.
Perrault syndrome. Also called: Gonadal dysgenesis with auditory dysfunction, autosomal recessive inheritance. Identifiers: Orphanet 2855, MedGen C0685838, MONDO:0017312.

Submission:

Labcorp Genetics (formerly Invitae), Labcorp
Classification: Likely pathogenic for Perrault syndrome; Bifunctional peroxisomal enzyme deficiency. Last evaluated: 2023-02-21. Review status: criteria provided, single submitter. Criteria: Invitae Variant Classification Sherloc (09022015). Collection method: clinical testing. Allele origin: germline.
Comment: This sequence change replaces asparagine, which is neutral and polar, with lysine, which is basic and polar, at codon 98 of the HSD17B4 protein (p.Asn98Lys). This variant is not present in population databases (gnomAD no frequency). This variant has not been reported in the literature in individuals affected with HSD17B4-related conditions. Advanced modeling of protein sequence and biophysical properties (such as structural, functional, and spatial information, amino acid conservation, physicochemical variation, residue mobility, and thermodynamic stability) performed at Invitae indicates that this missense variant is expected to disrupt HSD17B4 protein function. This variant disrupts the p.Asn98 amino acid residue in HSD17B4. Other variant(s) that disrupt this residue have been determined to be pathogenic (PMID: 27790638). This suggests that this residue is clinically significant, and that variants that disrupt this residue are likely to be disease-causing. In summary, the currently available evidence indicates that the variant is pathogenic, but additional data are needed to prove that conclusively. Therefore, this variant has been classified as Likely Pathogenic.

Literature cited by the submitters: PubMed 27790638.